The following is an entry in ClinVar:

NM_024426.6(WT1):c.1008G>A (p.Gly336=)

Gene: WT1 (WT1 transcription factor; minus strand). Cytogenetic location: 11p13.
Variant type: single nucleotide variant.
Coding change: c.1008G>A on transcript NM_024426.6 (MANE Select); coding-DNA position 1008, G replaced by A.
Protein change: p.Gly336=; no amino-acid change (glycine 336 retained).
Molecular consequence: synonymous variant. On other transcripts: non-coding transcript variant (1), intron variant (6).
Genome position (GRCh38, 1-based): chr11:32,416,498, C>T on the plus strand (G>A on the coding strand, the complement: WT1 is on the minus strand). VCF-style: chr11-32416498-C-T. GRCh37 (hg19) VCF-style: chr11-32438044-C-T.
Other names: c.1008G>A, p.Gly336= (NM_001407046.1, NM_024424.5, NM_001407044.1); c.885G>A, p.Gly295= (NM_001407047.1); c.246G>A, p.Gly82= (NM_001407051.1); c.842+1079G>A (NM_001407050.1); c.965+1079G>A (NM_001407048.1, NM_001407049.1, NM_000378.6 and 1 more transcripts); c.314+1079G>A (NM_001198552.2); c.357G>A, p.Gly119= (NM_001198551.2).
Identifiers: ClinVar variation 703782 (VCV000703782.21), dbSNP rs1369099437, ClinGen allele CA473568259.

ClinVar aggregate classification (germline): Conflicting classifications of pathogenicity. Review status: criteria provided, conflicting classifications (1 of 4 stars). 4 submissions from 4 submitters: Uncertain significance (1); Likely benign (3). Last evaluated 2025-08-07.

Conditions:
Wilms tumor 1 (WT1). Also called: Wilms tumor, somatic. Identifiers: Orphanet 654, MedGen CN033288, MONDO:0008679, OMIM 194070.
Frasier syndrome. Identifiers: Orphanet 347, MedGen C0950122, MeSH D052159, MONDO:0007635, OMIM 136680.
Drash syndrome (DDS). Also called: WILMS TUMOR AND PSEUDO- OR TRUE HERMAPHRODITISM; NEPHROPATHY, WILMS TUMOR, AND GENITAL ANOMALIES. Identifiers: Orphanet 220, MedGen C0950121, MONDO:0008682, OMIM 194080.
11p partial monosomy syndrome (WAGR). Also called: WAGR Complex; CHROMOSOME 11p13 DELETION SYNDROME; WAGR syndrome; WAGR Spectrum Disorder. Identifiers: Orphanet 893, MedGen C0206115, MONDO:0008681, OMIM 194072.

Allele frequency attached by ClinVar (database versions not stated): TOPMed below 0.00001; gnomAD 0.00001.
gnomAD v4.1: 18 of 1,614,000 alleles (0.0011%); highest among the groups gnomAD compares: Non-Finnish European, 0.0014%; no homozygotes.

Submissions (4):

Labcorp Genetics (formerly Invitae), Labcorp
Classification: Likely benign for Wilms tumor 1; Drash syndrome; 11p partial monosomy syndrome; Frasier syndrome. Last evaluated: 2025-08-07. Review status: criteria provided, single submitter. Criteria: Invitae Variant Classification Sherloc (09022015). Collection method: clinical testing. Allele origin: germline.

GeneDx
Classification: Uncertain significance. Last evaluated: 2023-12-18. Review status: criteria provided, single submitter. Criteria: GeneDx Variant Classification Process June 2021. Collection method: clinical testing. Allele origin: germline. Affected: yes.
Comment: Not observed at significant frequency in large population cohorts (gnomAD); In silico analysis supports that this variant does not alter splicing; Has not been previously published as pathogenic or benign to our knowledge

All of Us Research Program, National Institutes of Health
Classification: Likely benign for Wilms tumor 1. Last evaluated: 2023-12-13. Review status: criteria provided, single submitter. Criteria: ACMG Guidelines, 2015. Collection method: clinical testing. Allele origin: germline. Inheritance: Autosomal dominant inheritance. Observed: 7 variant alleles, 7 heterozygotes.
Comment: This study involves interpretation of variants in research participants for the purpose of population health screening. Participant phenotype was not available at the time of variant classification. Additional details can be found in publication PMID: 35346344, PMCID: PMC8962531

Color Diagnostics, LLC DBA Color Health
Classification: Likely benign for Wilms tumor 1. Last evaluated: 2023-02-03. Review status: criteria provided, single submitter. Criteria: ACMG Guidelines, 2015. Collection method: clinical testing. Allele origin: germline.